The following is an entry in ClinVar:

ClinVar aggregate classification (germline): Pathogenic. Review status: criteria provided, multiple submitters, no conflicts (2 of 4 stars). 4 submissions from 4 submitters: Pathogenic (2). 2 of the submissions do not count toward it. Last evaluated 2025-02-26.

Conditions:
Metachromatic leukodystrophy (MLD). Also called: Cerebral sclerosis diffuse metachromatic form; Arylsulfatase A Deficiency; CEREBROSIDE SULFATASE DEFICIENCY; METACHROMATIC LEUKOENCEPHALOPATHY; SULFATIDE LIPIDOSIS; ARSA DEFICIENCY. Identifiers: Orphanet 512, MedGen C0023522, MONDO:0018868, OMIM 250100.

gnomAD v4.1: 1 of 1,613,380 alleles (0.000062%); highest among the groups gnomAD compares: Non-Finnish European, 0.000085%; no homozygotes.

Submissions (5):

Women's Health and Genetics/Laboratory Corporation of America, LabCorp
Classification: Pathogenic for Metachromatic leukodystrophy. Last evaluated: 2025-02-26. Review status: criteria provided, single submitter. Criteria: LabCorp Variant Classification Summary - May 2015. Collection method: clinical testing. Allele origin: germline.
Comment: Variant summary: ARSA c.640G>C (p.Ala214Pro) results in a non-conservative amino acid change in the encoded protein sequence. Three of four in-silico tools predict a damaging effect of the variant on protein function. The variant was absent in 250630 control chromosomes. c.640G>C has been reported in the literature in multiple individuals affected with Metachromatic Leukodystrophy (e.g., Biffi_2008, Beerepoot_2020, Pekgul_2020). These data indicate that the variant is very likely to be associated with disease. A different variant affecting the same codon has been classified as pathogenic by our lab (c.641C>T, p.Ala214Val), supporting the critical relevance of codon 214 to ARSA protein function. At least one publication reports experimental evidence evaluating an impact on protein function. The most pronounced variant effect results in <1% of normal activity (e.g., Cesari_2009). The following publications have been ascertained in the context of this evaluation (PMID: 32632536, 18786133, 19606494, 33335837). ClinVar contains an entry for this variant (Variation ID: 68145). Based on the evidence outlined above, the variant was classified as pathogenic.

Labcorp Genetics (formerly Invitae), Labcorp
Classification: Pathogenic for Metachromatic leukodystrophy. Last evaluated: 2022-06-14. Review status: criteria provided, single submitter. Criteria: Invitae Variant Classification Sherloc (09022015). Collection method: clinical testing. Allele origin: germline.
Comment: This variant disrupts the p.Ala214 amino acid residue in ARSA. Other variant(s) that disrupt this residue have been determined to be pathogenic (PMID: 7906588, 9090526, 9192271, 14517960, 26462614). This suggests that this residue is clinically significant, and that variants that disrupt this residue are likely to be disease-causing. Experimental studies have shown that this missense change affects ARSA function (PMID: 18693274, 19606494). Advanced modeling of protein sequence and biophysical properties (such as structural, functional, and spatial information, amino acid conservation, physicochemical variation, residue mobility, and thermodynamic stability) performed at Invitae indicates that this missense variant is expected to disrupt ARSA protein function. ClinVar contains an entry for this variant (Variation ID: 68145). This variant is also known as p.Ala212Pro. This missense change has been observed in individual(s) with metachromatic leukodystrophy (PMID: 18786133). This variant is not present in population databases (gnomAD no frequency). This sequence change replaces alanine, which is neutral and non-polar, with proline, which is neutral and non-polar, at codon 214 of the ARSA protein (p.Ala214Pro). For these reasons, this variant has been classified as Pathogenic.

Natera, Inc.
Classification: Pathogenic for Metachromatic leukodystrophy. Last evaluated: 2021-07-27. Review status: no assertion criteria provided. Collection method: clinical testing. Allele origin: germline. Not counted in ClinVar's aggregate classification.

Gelb Laboratory, University of Washington
No classification provided (evidence only). Condition: Metachromatic leukodystrophy. Review status: no classification provided. Collection method: in vitro. Allele origin: not applicable. Functional consequence: loss of function. Not counted in ClinVar's aggregate classification.

UniProtKB/Swiss-Prot
No classification provided. Review status: no classification provided. Collection method: not provided. Allele origin: not provided. Not counted in ClinVar's aggregate classification.

Literature cited by the submitters: PubMed 18786133 (cited by Women's Health and Genetics/Laboratory Corporation of America, LabCorp and Labcorp Genetics (formerly Invitae), Labcorp); PubMed 19606494 (cited by Women's Health and Genetics/Laboratory Corporation of America, LabCorp and Labcorp Genetics (formerly Invitae), Labcorp); PubMed 32632536 (cited by Women's Health and Genetics/Laboratory Corporation of America, LabCorp); PubMed 33335837 (cited by Women's Health and Genetics/Laboratory Corporation of America, LabCorp); PubMed 7906588 (cited by Labcorp Genetics (formerly Invitae), Labcorp); PubMed 9090526 (cited by Labcorp Genetics (formerly Invitae), Labcorp); PubMed 9192271 (cited by Labcorp Genetics (formerly Invitae), Labcorp); PubMed 14517960 (cited by Labcorp Genetics (formerly Invitae), Labcorp); PubMed 26462614 (cited by Labcorp Genetics (formerly Invitae), Labcorp); PubMed 18693274 (cited by Labcorp Genetics (formerly Invitae), Labcorp).

NM_000487.6(ARSA):c.640G>C (p.Ala214Pro)

Gene: ARSA (arylsulfatase A; minus strand). Cytogenetic location: 22q13.33.
Variant type: single nucleotide variant.
Coding change: c.640G>C on transcript NM_000487.6 (MANE Select); coding-DNA position 640, G replaced by C.
Protein change: p.Ala214Pro; replaces alanine 214 with proline.
Molecular consequence: missense variant.
Genome position (GRCh38, 1-based): chr22:50,626,878, C>G on the plus strand (G>C on the coding strand, the complement: ARSA is on the minus strand). VCF-style: chr22-50626878-C-G. GRCh37 (hg19) VCF-style: chr22-51065306-C-G.
Other names: c.640G>C, p.Ala214Pro (NM_001085425.3, NM_001085426.3, NM_001085427.3); c.382G>C, p.Ala128Pro (NM_001085428.3, NM_001362782.2); short protein forms A214P, A128P.
Identifiers: ClinVar variation 68145 (VCV000068145.14), dbSNP rs199476341, ClinGen allele CA219046.
Genomic context (GRCh38, chr22:50,626,878, plus strand): 5'-GGCCAAGATCACTTACGTGAGAGGCATAGTACAGGAAGAAGGGGCGATCCTGGCGCTGGG[C>G]GTCGGCCATGAGGTCATGGGCGAAAGCCATGTAGCGGGCCTCTAGTCCGGGCAGCCAGGG-3'
Protein context (NP_000478.3, residues 204-224): MAFAHDLMAD[Ala214Pro]QRQDRPFFLY